The following is an entry in ClinVar:

ClinVar aggregate classification (germline): Uncertain significance (1 of 4 stars; one submission).

Conditions:
Inborn genetic diseases. Identifiers: MedGen C0950123, MeSH D030342.

Submission:

Ambry Genetics
Classification: Uncertain significance for Inborn genetic diseases. Last evaluated: 2024-11-22. Review status: criteria provided, single submitter. Criteria: Ambry Variant Classification Scheme 2023. Collection method: clinical testing. Allele origin: germline.
Comment: The p.M1237V variant (also known as c.3709A>G), located in coding exon 25 of the ANKRD26 gene, results from an A to G substitution at nucleotide position 3709. The methionine at codon 1237 is replaced by valine, an amino acid with highly similar properties. This amino acid position is conserved. In addition, this alteration is predicted to be tolerated by in silico analysis. Based on the available evidence, the clinical significance of this variant remains unclear.

NM_014915.3(ANKRD26):c.3709A>G (p.Met1237Val)

Gene: ANKRD26 (ankyrin repeat domain containing 26; minus strand). Cytogenetic location: 10p12.1.
Variant type: single nucleotide variant.
Coding change: c.3709A>G on transcript NM_014915.3 (MANE Select); coding-DNA position 3709, A replaced by G.
Protein change: p.Met1237Val; replaces methionine 1237 with valine.
Molecular consequence: missense variant.
Genome position (GRCh38, 1-based): chr10:27,033,323, T>C on the plus strand (A>G on the coding strand, the complement: ANKRD26 is on the minus strand). VCF-style: chr10-27033323-T-C. GRCh37 (hg19) VCF-style: chr10-27322252-T-C.
Other names: c.3706A>G, p.Met1236Val (NM_001256053.2); short protein forms M1237V, M1236V.
Identifiers: ClinVar variation 3396105 (VCV003396105.1).